The following is an entry in ClinVar:

ClinVar aggregate classification (germline): Pathogenic/Likely pathogenic. Review status: criteria provided, multiple submitters, no conflicts (2 of 4 stars). 2 submissions from 2 submitters: Pathogenic (1); Likely pathogenic (1). Last evaluated 2025-09-29.

Conditions:
Metaphyseal chondrodysplasia, McKusick type (CHH). Also called: Cartilage-hair hypoplasia; Cartilage-Hair Hypoplasia (CHH). Identifiers: Orphanet 175, MedGen C0220748, MONDO:0009595, OMIM 250250.
Anauxetic dysplasia. Identifiers: Orphanet 93347, MedGen C1846796, MONDO:0011773.

Submissions (2):

Labcorp Genetics (formerly Invitae), Labcorp
Classification: Pathogenic for Anauxetic dysplasia. Last evaluated: 2025-09-29. Review status: criteria provided, single submitter. Criteria: Invitae Variant Classification Sherloc (09022015). Collection method: clinical testing. Allele origin: germline.
Comment: This variant occurs in the RMRP gene, which encodes an RNA molecule that does not result in a protein product. This variant is not present in population databases (gnomAD no frequency). While this particular variant has not been reported in the literature, it is located in the promoter region between the TATA box and the transcription initiation site, and other insertions and duplications immediately upstream of the coding sequence have been reported in individuals affected with cartilage-hair hypoplasia-anauxetic dysplasia (CHH-AD) spectrum disorders (PMID: 16244706, 11207361, 12107819). While functional studies for this variant have not been reported, experimental analyses using patient derived cells, as well as in vitro transfection studies, have shown that promoter insertions result in silencing of RMRP transcription and reduced expression of the gene product (PMID: 11207361, 16254002). For these reasons, this variant has been classified as Pathogenic.

Women's Health and Genetics/Laboratory Corporation of America, LabCorp
Classification: Likely pathogenic for Metaphyseal chondrodysplasia, McKusick type. Last evaluated: 2020-03-25. Review status: criteria provided, single submitter. Criteria: LabCorp Variant Classification Summary - May 2015. Collection method: clinical testing. Allele origin: germline.
Comment: Variant summary: RMRP n.-17_-3dup15 involves the duplication of 15 nucleotides in the promoter region of the RMRP gene which is located between the TATA box (at position -33 to -25) and the transcription initiation site (at +1). Other insertions or duplications in the promoter region of RMRP have been classified as pathogenic (internally and in ClinVar). The variant was absent in 127922 control chromosomes (gnomAD). To our knowledge, no occurrence of n.-17_-3dup15 in individuals affected with Cartilage-Hair Hypoplasia and no experimental evidence demonstrating its impact on protein function have been reported. However, many other insertions or duplications in the promoter region of RMRP have been reported in affected individuals in the literature (e.g. PMIDs: 21956908, 21396580) and have been demonstrated through functional studies to lead to reduced RMRP transcription (e.g. PMIDs: 11207361, 16254002). No clinical diagnostic laboratories have submitted clinical-significance assessments for this variant to ClinVar after 2014. Based on the evidence outlined above, the variant was classified as likely pathogenic.

Literature cited by the submitters: PubMed 16244706 (cited by Labcorp Genetics (formerly Invitae), Labcorp); PubMed 11207361 (cited by Labcorp Genetics (formerly Invitae), Labcorp); PubMed 12107819 (cited by Labcorp Genetics (formerly Invitae), Labcorp); PubMed 16254002 (cited by Labcorp Genetics (formerly Invitae), Labcorp).

NR_003051.3(RMRP):n.-17_-3dup15

Gene: RMRP (RNA component of mitochondrial RNA processing endoribonuclease; minus strand). Cytogenetic location: 9p13.3.
Variant type: Duplication.
Genome position: GRCh38 VCF-style: chr9-35658020-C-CGTCCTCAGCTTCACA. GRCh37 (hg19) VCF-style: chr9-35658017-C-CGTCCTCAGCTTCACA.
Identifiers: ClinVar variation 918169 (VCV000918169.7), dbSNP rs1823634410, ClinGen allele CA1139660926.